The following is an entry in ClinVar:

ClinVar aggregate classification (germline): Uncertain significance (1 of 4 stars; one submission).

Submission:

Labcorp Genetics (formerly Invitae), Labcorp
Classification: Uncertain significance. Last evaluated: 2025-04-21. Review status: criteria provided, single submitter. Criteria: Invitae Variant Classification Sherloc (09022015). Collection method: clinical testing. Allele origin: germline.
Comment: This sequence change replaces serine, which is neutral and polar, with leucine, which is neutral and non-polar, at codon 478 of the NSD1 protein (p.Ser478Leu). This variant is not present in population databases (gnomAD no frequency). This variant has not been reported in the literature in individuals affected with NSD1-related conditions. Invitae Evidence Modeling of protein sequence and biophysical properties (such as structural, functional, and spatial information, amino acid conservation, physicochemical variation, residue mobility, and thermodynamic stability) indicates that this missense variant is not expected to disrupt NSD1 protein function with a negative predictive value of 95%. In summary, the available evidence is currently insufficient to determine the role of this variant in disease. Therefore, it has been classified as a Variant of Uncertain Significance.

NM_022455.5(NSD1):c.1433C>T (p.Ser478Leu)

Gene: NSD1 (nuclear receptor binding SET domain protein 1; plus strand). Cytogenetic location: 5q35.3.
Variant type: single nucleotide variant.
Coding change: c.1433C>T on transcript NM_022455.5 (MANE Select); coding-DNA position 1433, C replaced by T.
Protein change: p.Ser478Leu; replaces serine 478 with leucine.
Molecular consequence: missense variant.
Genome position (GRCh38, 1-based): chr5:177,209,832, C>T. VCF-style: chr5-177209832-C-T. GRCh37 (hg19) VCF-style: chr5-176636833-C-T.
Other names: c.560C>T, p.Ser187Leu (NM_001365684.2, NM_001409306.1, NM_001409307.1 and 3 more transcripts); c.1433C>T, p.Ser478Leu (NM_001409301.1, NM_001409302.1, NM_001409303.1); c.1013C>T, p.Ser338Leu (NM_001409304.1); c.680C>T, p.Ser227Leu (NM_001409305.1); short protein forms S187L, S227L, S338L, S478L.
Identifiers: ClinVar variation 4801575 (VCV004801575.1).
Genomic context (GRCh38, chr5:177,209,832, plus strand): 5'-AAGACTGCACAAATGATCCTGAGTCAGAACATGACCTGTTGCTTAATGGCTGTTTGAAAT[C>T]ACTGGCTTTTGATTCTGAACATTCTGCAGATGAGAAGGAAAAGCCTTGCGCTAAATCTCG-3'
Protein context (NP_071900.2, residues 468-488): HDLLLNGCLK[Ser478Leu]LAFDSEHSAD